The following is an entry in ClinVar:

ClinVar aggregate classification (germline): Likely pathogenic. Review status: criteria provided, multiple submitters, no conflicts (2 of 4 stars). 3 submissions from 3 submitters: Likely pathogenic (3). Last evaluated 2024-10-23.

Conditions:
Nephronophthisis 3 (NPHP3). Also called: Adolescent nephronophthisis. Identifiers: Orphanet 655, MedGen C1858392, MONDO:0011456, OMIM 604387.
Renal-hepatic-pancreatic dysplasia 1 (RHPD1). Identifiers: MedGen C3715199, MONDO:0008833, OMIM 208540.
NPHP3-related Meckel-like syndrome. Also called: GOLDSTON SYNDROME; Meckel syndrome type 7. Identifiers: Orphanet 3032, MedGen C2673885, MONDO:0009966, OMIM 267010.
NPHP3-related disorder. Also called: NPHP3-related condition; NPHP3-related disorders. Identifiers: MedGen CN379163.
Nephronophthisis. Also called: Juvenile Nephronophthisis. Identifiers: Orphanet 655, MedGen C0687120, MONDO:0019005, HP:0000090.

Allele frequency attached by ClinVar (database versions not stated): gnomAD exomes 0.00001 and 0.00002; ExAC 0.00002.
gnomAD v4.1: 5 of 1,612,504 alleles (0.00031%); highest among the groups gnomAD compares: Non-Finnish European, 0.00042%; no homozygotes.

Submissions (3):

Labcorp Genetics (formerly Invitae), Labcorp
Classification: Likely pathogenic for Nephronophthisis. Last evaluated: 2024-10-23. Review status: criteria provided, single submitter. Criteria: Invitae Variant Classification Sherloc (09022015). Collection method: clinical testing. Allele origin: germline.
Comment: This sequence change affects a donor splice site in intron 1 of the NPHP3 gene. It is expected to disrupt RNA splicing. Variants that disrupt the donor or acceptor splice site typically lead to a loss of protein function (PMID: 16199547), and loss-of-function variants in NPHP3 are known to be pathogenic (PMID: 18371931, 23559409). This variant is present in population databases (rs754332448, gnomAD 0.004%). This variant has not been reported in the literature in individuals affected with NPHP3-related conditions. ClinVar contains an entry for this variant (Variation ID: 1466369). Algorithms developed to predict the effect of sequence changes on RNA splicing suggest that this variant may disrupt the consensus splice site. In summary, the currently available evidence indicates that the variant is pathogenic, but additional data are needed to prove that conclusively. Therefore, this variant has been classified as Likely Pathogenic.

Blueprint Genetics
Classification: Likely pathogenic for NPHP3-related disorders. Last evaluated: 2024-09-11. Review status: criteria provided, single submitter. Criteria: ACMG Guidelines, 2015. Collection method: clinical testing. Allele origin: germline. Affected: yes. Observed: 4 variant alleles.

Fulgent Genetics
Classification: Likely pathogenic for Renal-hepatic-pancreatic dysplasia 1; NPHP3-related Meckel-like syndrome; Nephronophthisis 3. Last evaluated: 2024-03-08. Review status: criteria provided, single submitter. Criteria: ACMG Guidelines, 2015. Collection method: clinical testing. Allele origin: germline.

Literature cited by the submitters: PubMed 16199547 (cited by Labcorp Genetics (formerly Invitae), Labcorp); PubMed 18371931 (cited by Labcorp Genetics (formerly Invitae), Labcorp); PubMed 23559409 (cited by Labcorp Genetics (formerly Invitae), Labcorp).

NM_153240.5(NPHP3):c.393+1G>C

Genes: NPHP3 (nephrocystin 3; minus strand), NPHP3-ACAD11 (NPHP3-ACAD11 readthrough (NMD candidate); minus strand), NPHP3-AS1 (NPHP3 antisense RNA 1; plus strand). Cytogenetic location: 3q22.1.
Variant type: single nucleotide variant.
Coding change: c.393+1G>C on transcript NM_153240.5 (MANE Select); the canonical splice donor site of the intron after coding-DNA position 393, G replaced by C.
Molecular consequence: splice donor variant. On other transcripts: non-coding transcript variant (2).
Genome position (GRCh38, 1-based): chr3:132,721,962, C>G on the plus strand (G>C on the coding strand, the complement: NPHP3 is on the minus strand). VCF-style: chr3-132721962-C-G. GRCh37 (hg19) VCF-style: chr3-132440806-C-G.
Identifiers: ClinVar variation 1466369 (VCV001466369.8), dbSNP rs754332448, ClinGen allele CA2622645.